The following is an entry in ClinVar:

ClinVar aggregate classification (germline): Uncertain significance (1 of 4 stars; one submission).

Conditions:
Hereditary cancer-predisposing syndrome. Also called: Neoplastic Syndromes, Hereditary; Hereditary Cancer Syndrome; Tumor predisposition; Hereditary neoplastic syndrome. Identifiers: Orphanet 140162, MedGen C0027672, MeSH D009386, MONDO:0015356.

gnomAD v4.1: 1 of 1,614,194 alleles (0.000062%); highest among the groups gnomAD compares: Non-Finnish European, 0.000085%; no homozygotes.

Submission:

Ambry Genetics
Classification: Uncertain significance for Hereditary cancer-predisposing syndrome. Last evaluated: 2025-02-02. Review status: criteria provided, single submitter. Criteria: Ambry Variant Classification Scheme 2023. Collection method: clinical testing. Allele origin: germline.
Comment: The p.A581P variant (also known as c.1741G>C), located in coding exon 16 of the POLE gene, results from a G to C substitution at nucleotide position 1741. The alanine at codon 581 is replaced by proline, an amino acid with highly similar properties. This amino acid position is conserved. In addition, the in silico prediction for this alteration is inconclusive. Based on the available evidence, the clinical significance of this variant remains unclear.

NM_006231.4(POLE):c.1741G>C (p.Ala581Pro)

Gene: POLE (DNA polymerase epsilon, catalytic subunit; minus strand). Cytogenetic location: 12q24.33.
Variant type: single nucleotide variant.
Coding change: c.1741G>C on transcript NM_006231.4 (MANE Select); coding-DNA position 1741, G replaced by C.
Protein change: p.Ala581Pro; replaces alanine 581 with proline.
Molecular consequence: missense variant.
Genome position (GRCh38, 1-based): chr12:132,672,268, C>G on the plus strand (G>C on the coding strand, the complement: POLE is on the minus strand). VCF-style: chr12-132672268-C-G. GRCh37 (hg19) VCF-style: chr12-133248854-C-G.
Other names: short protein forms A581P.
Identifiers: ClinVar variation 3781576 (VCV003781576.1).